The following is an entry in ClinVar:

ClinVar aggregate classification (germline): Uncertain significance (1 of 4 stars; one submission).

Conditions:
Inborn genetic diseases. Identifiers: MedGen C0950123, MeSH D030342.

Submission:

Ambry Genetics
Classification: Uncertain significance for Inborn genetic diseases. Last evaluated: 2021-03-25. Review status: criteria provided, single submitter. Criteria: Ambry Variant Classification Scheme 2023. Collection method: clinical testing. Allele origin: germline.
Comment: The c.1271_1276delTTGATG (p.V424_D425del) alteration is located in exon 14 (coding exon 14) of the NEMF gene. This alteration consists of an in-frame deletion of 6 nucleotides between nucleotide positions c.1271 and c.1276, resulting in the deletion of <NA> residues. Based on insufficient or conflicting evidence, the clinical significance of this alteration remains unclear.

NM_004713.6(NEMF):c.1271_1276del (p.Val424_Asp425del)

Gene: NEMF (nuclear export mediator factor; minus strand). Cytogenetic location: 14q21.3.
Variant type: Deletion.
Coding change: c.1271_1276del on transcript NM_004713.6 (MANE Select); coding-DNA positions 1271 to 1276, 6 bases deleted (TTGATG; older notation c.1271_1276delTTGATG).
Protein change: p.Val424_Asp425del.
Molecular consequence: inframe deletion.
Genome position (GRCh38, 1-based): chr14:49,828,764-49,828,769, CATCAA deleted on the plus strand (TTGATG on the coding strand, the reverse complement: NEMF is on the minus strand); deleting any 6 consecutive bases within chr14:49,828,764-49,828,774 gives the same sequence; the c. name uses the placement nearest the transcript's 3' end. VCF-style (leftmost placement, unchanged base first): chr14-49828763-CCATCAA-C. GRCh37 (hg19) VCF-style: chr14-50295481-CCATCAA-C.
Other names: c.1271_1276del, p.Val424_Asp425del (NM_001301732.3).
Identifiers: ClinVar variation 2229720 (VCV002229720.2), dbSNP rs768563930, ClinGen allele CA7175331.